The following is an entry in ClinVar:

NM_014049.5(ACAD9):c.454-19C>A

Gene: ACAD9 (acyl-CoA dehydrogenase family member 9; plus strand). Cytogenetic location: 3q21.3.
Variant type: single nucleotide variant.
Coding change: c.454-19C>A on transcript NM_014049.5 (MANE Select); 19 bases into the intron before coding-DNA position 454, C replaced by A.
Molecular consequence: intron variant.
Genome position (GRCh38, 1-based): chr3:128,896,417, C>A. VCF-style: chr3-128896417-C-A. GRCh37 (hg19) VCF-style: chr3-128615260-C-A.
Identifiers: ClinVar variation 377417 (VCV000377417.10), dbSNP rs145442792, ClinGen allele CA2601154.

ClinVar aggregate classification (germline): Benign/Likely benign. Review status: criteria provided, multiple submitters, no conflicts (2 of 4 stars). 3 submissions from 3 submitters: Benign (2); Likely benign (1). Last evaluated 2026-01-25.

Allele frequency attached by ClinVar (database versions not stated): gnomAD exomes 0.00094; ExAC 0.00120; gnomAD 0.00344 and 0.00368; TOPMed 0.00344; 1000 Genomes Project 0.00359; 1000 Genomes Project 30x 0.00406; ESP Exome Variant Server 0.00423.
gnomAD v4.1: 948 of 1,611,312 alleles (0.059%); highest among the groups gnomAD compares: African/African-American, 1.1%; 9 homozygotes.

Submissions (3):

Labcorp Genetics (formerly Invitae), Labcorp
Classification: Benign. Last evaluated: 2026-01-25. Review status: criteria provided, single submitter. Criteria: Invitae Variant Classification Sherloc (09022015). Collection method: clinical testing. Allele origin: germline.

Blueprint Genetics
Classification: Likely benign. Last evaluated: 2024-10-18. Review status: criteria provided, single submitter. Criteria: ACMG Guidelines, 2015. Collection method: clinical testing. Allele origin: germline.

GeneDx
Classification: Benign. Last evaluated: 2015-04-09. Review status: criteria provided, single submitter. Criteria: GeneDx Variant Classification (06012015). Collection method: clinical testing. Allele origin: germline. Affected: yes.
Comment: This variant is considered likely benign or benign based on one or more of the following criteria: it is a conservative change, it occurs at a poorly conserved position in the protein, it is predicted to be benign by multiple in silico algorithms, and/or has population frequency not consistent with disease.